The following is an entry in ClinVar:

NM_003051.4(SLC16A1):c.1231C>A (p.Arg411=)

Gene: SLC16A1 (solute carrier family 16 member 1; minus strand). Cytogenetic location: 1p13.2.
Variant type: single nucleotide variant.
Coding change: c.1231C>A on transcript NM_003051.4 (MANE Select); coding-DNA position 1231, C replaced by A.
Protein change: p.Arg411=; no amino-acid change (arginine 411 retained).
Molecular consequence: synonymous variant.
Genome position (GRCh38, 1-based): chr1:112,914,163, G>T on the plus strand (C>A on the coding strand, the complement: SLC16A1 is on the minus strand). VCF-style: chr1-112914163-G-T. GRCh37 (hg19) VCF-style: chr1-113456785-G-T.
Other names: c.1231C>A, p.Arg411= (NM_001166496.2).
Identifiers: ClinVar variation 2824808 (VCV002824808.3), dbSNP rs763641576, ClinGen allele CA419708340.

ClinVar aggregate classification (germline): Uncertain significance (1 of 4 stars; one submission).

Allele frequency attached by ClinVar (database versions not stated): gnomAD 0.00001.
gnomAD v4.1: 2 of 1,613,882 alleles (0.00012%); highest among the groups gnomAD compares: African/African-American, 0.0013%; no homozygotes.

Submission:

Labcorp Genetics (formerly Invitae), Labcorp
Classification: Uncertain significance. Last evaluated: 2022-12-29. Review status: criteria provided, single submitter. Criteria: Invitae Variant Classification Sherloc (09022015). Collection method: clinical testing. Allele origin: germline.
Comment: Algorithms developed to predict the effect of sequence changes on RNA splicing suggest that this variant may disrupt the consensus splice site. In summary, the available evidence is currently insufficient to determine the role of this variant in disease. Therefore, it has been classified as a Variant of Uncertain Significance. This variant has not been reported in the literature in individuals affected with SLC16A1-related conditions. This variant is not present in population databases (gnomAD no frequency). This sequence change affects codon 411 of the SLC16A1 mRNA. It is a 'silent' change, meaning that it does not change the encoded amino acid sequence of the SLC16A1 protein.